The following is an entry in ClinVar:

ClinVar aggregate classification (germline): Uncertain significance (1 of 4 stars; one submission).

gnomAD v4.1: 1 of 1,612,568 alleles (0.000062%); highest among the groups gnomAD compares: Non-Finnish European, 0.000085%; no homozygotes.

Submission:

Labcorp Genetics (formerly Invitae), Labcorp
Classification: Uncertain significance. Last evaluated: 2024-03-24. Review status: criteria provided, single submitter. Criteria: Invitae Variant Classification Sherloc (09022015). Collection method: clinical testing. Allele origin: germline.
Comment: This sequence change replaces methionine, which is neutral and non-polar, with isoleucine, which is neutral and non-polar, at codon 665 of the CFH protein (p.Met665Ile). This variant is not present in population databases (gnomAD no frequency). This variant has not been reported in the literature in individuals affected with CFH-related conditions. An algorithm developed to predict the effect of missense changes on protein structure and function (PolyPhen-2) suggests that this variant is likely to be tolerated. In summary, the available evidence is currently insufficient to determine the role of this variant in disease. Therefore, it has been classified as a Variant of Uncertain Significance.

NM_000186.4(CFH):c.1995G>A (p.Met665Ile)

Gene: CFH (complement factor H; plus strand). Cytogenetic location: 1q31.3.
Variant type: single nucleotide variant.
Coding change: c.1995G>A on transcript NM_000186.4 (MANE Select); coding-DNA position 1995, G replaced by A.
Protein change: p.Met665Ile; replaces methionine 665 with isoleucine.
Molecular consequence: missense variant.
Genome position (GRCh38, 1-based): chr1:196,726,591, G>A. VCF-style: chr1-196726591-G-A. GRCh37 (hg19) VCF-style: chr1-196695721-G-A.
Other names: short protein forms M665I.
Identifiers: ClinVar variation 3678950 (VCV003678950.2).